The following is an entry in ClinVar:

ClinVar aggregate classification (germline): Uncertain significance (1 of 4 stars; one submission).

Submission:

Dasa
Classification: Uncertain significance. Last evaluated: 2025-06-24. Review status: criteria provided, single submitter. Criteria: DASA Assertion Criteria. Collection method: clinical testing. Allele origin: germline.
Comment: NM_000138.5(FBN1):c.1068G>A (p.Met356Ile) is a missense variant that results in the substitution of methionine with isoleucine. This variant is absent from population databases. Computational prediction algorithms are consistent with a benign effect. The currently available literature and clinical evidence are not sufficient to establish a definitive association between this variant and the reported condition. Therefore, this variant is classified as a variant of uncertain significance.

NM_000138.5(FBN1):c.1068G>A (p.Met356Ile)

Genes: FBN1 (fibrillin 1; minus strand), LOC113939944 (Sharpr-MPRA regulatory region 9539; plus strand). Cytogenetic location: 15q21.1.
Variant type: single nucleotide variant.
Coding change: c.1068G>A on transcript NM_000138.5 (MANE Select); coding-DNA position 1068, G replaced by A.
Protein change: p.Met356Ile; replaces methionine 356 with isoleucine.
Molecular consequence: missense variant.
Genome position (GRCh38, 1-based): chr15:48,520,738, C>T on the plus strand (G>A on the coding strand, the complement: FBN1 is on the minus strand). VCF-style: chr15-48520738-C-T. GRCh37 (hg19) VCF-style: chr15-48812935-C-T.
Other names: c.1068G>A, p.Met356Ile (NM_001406716.1); short protein forms M356I.
Identifiers: ClinVar variation 4883084 (VCV004883084.2).
Genomic context (GRCh38, chr15:48,520,738, plus strand): 5'-CATCTCAGGGGCGACAGTGACCCCTGGAGACCAGCATCGGCCGGCATCACAGCAGCACTG[C>T]ATTTTGGTTATGGACTGTGGCAGCTGGTTAGAGCAGCGCCCGTTTGTCAGAGCTGTGTAA-3'
Protein context (NP_000129.3, residues 346-366): SNQLPQSITK[Met356Ile]QCCCDAGRCW